The following is an entry in ClinVar:

ClinVar aggregate classification (germline): Uncertain significance (1 of 4 stars; one submission).

Submission:

GeneDx
Classification: Uncertain significance. Last evaluated: 2024-11-19. Review status: criteria provided, single submitter. Criteria: GeneDx Variant Classification Process June 2021. Collection method: clinical testing. Allele origin: germline. Affected: yes.
Comment: Not observed at significant frequency in large population cohorts (gnomAD); Has not been previously published as pathogenic or benign to our knowledge; Canonical splice site variant in a gene for which loss-of-function is not an established mechanism of disease

NM_014233.4(UBTF):c.1516-1G>C

Genes: ATXN7L3-AS1 (ATXN7L3 antisense RNA 1; plus strand), UBTF (upstream binding transcription factor; minus strand). Cytogenetic location: 17q21.31.
Variant type: single nucleotide variant.
Coding change: c.1516-1G>C on transcript NM_014233.4 (MANE Select); the canonical splice acceptor site of the intron before coding-DNA position 1516, G replaced by C.
Molecular consequence: splice acceptor variant.
Genome position (GRCh38, 1-based): chr17:44,210,235, C>G on the plus strand (G>C on the coding strand, the complement: UBTF is on the minus strand). VCF-style: chr17-44210235-C-G. GRCh37 (hg19) VCF-style: chr17-42287603-C-G.
Other names: c.1405-1G>C (NM_001076683.2, NM_001076684.3).
Identifiers: ClinVar variation 3900511 (VCV003900511.1).